The following is an entry in ClinVar:

ClinVar aggregate classification (germline): Likely benign. Review status: criteria provided, multiple submitters, no conflicts (2 of 4 stars). 2 submissions from 2 submitters: Likely benign (2). Last evaluated 2026-05-18.

Conditions:
PEX14-related disorder. Also called: PEX14-related condition.
Peroxisome biogenesis disorder, complementation group K (CGK). Identifiers: MedGen C1866257, MONDO:0800365.

Allele frequency attached by ClinVar (database versions not stated): gnomAD 0.00002; gnomAD exomes 0.00002 and 0.00003; ExAC 0.00003; TOPMed 0.00003; ESP Exome Variant Server 0.00008.
gnomAD v4.1: 41 of 1,613,726 alleles (0.0025%); highest among the groups gnomAD compares: South Asian, 0.0033%; no homozygotes.

Submissions (2):

PreventionGenetics, part of Exact Sciences
Classification: Likely benign for PEX14-related condition. Last evaluated: 2026-05-18. Review status: criteria provided, single submitter. Criteria: ACMG Guidelines, 2015. Collection method: clinical testing. Allele origin: germline.
Comment: This variant is classified as likely benign based on ACMG/AMP sequence variant interpretation guidelines (Richards et al. 2015 PMID: 25741868, with internal and published modifications).

Labcorp Genetics (formerly Invitae), Labcorp
Classification: Likely benign for Peroxisome biogenesis disorder, complementation group K. Last evaluated: 2025-10-21. Review status: criteria provided, single submitter. Criteria: Invitae Variant Classification Sherloc (09022015). Collection method: clinical testing. Allele origin: germline.

NM_004565.3(PEX14):c.327C>T (p.Tyr109=)

Gene: PEX14 (peroxisomal biogenesis factor 14; plus strand). Cytogenetic location: 1p36.22.
Variant type: single nucleotide variant.
Coding change: c.327C>T on transcript NM_004565.3 (MANE Select); coding-DNA position 327, C replaced by T.
Protein change: p.Tyr109=; no amino-acid change (tyrosine 109 retained).
Molecular consequence: synonymous variant.
Genome position (GRCh38, 1-based): chr1:10,618,360, C>T. VCF-style: chr1-10618360-C-T. GRCh37 (hg19) VCF-style: chr1-10678417-C-T.
Other names: c.327C>T (NM_004565.2).
Identifiers: ClinVar variation 1530172 (VCV001530172.9), dbSNP rs367754543, ClinGen allele CA583803.